The following is an entry in ClinVar:

NM_014141.6(CNTNAP2):c.440G>A (p.Arg147Gln)

Gene: CNTNAP2 (contactin associated protein 2; plus strand). Cytogenetic location: 7q35.
Variant type: single nucleotide variant.
Coding change: c.440G>A on transcript NM_014141.6 (MANE Select); coding-DNA position 440, G replaced by A.
Protein change: p.Arg147Gln; replaces arginine 147 with glutamine.
Molecular consequence: missense variant.
Genome position (GRCh38, 1-based): chr7:147,043,944, G>A. VCF-style: chr7-147043944-G-A. GRCh37 (hg19) VCF-style: chr7-146741036-G-A.
Other names: short protein forms R147Q.
Identifiers: ClinVar variation 420911 (VCV000420911.8), dbSNP rs1064794785, ClinGen allele CA16618373.

ClinVar aggregate classification (germline): Uncertain significance. Review status: criteria provided, multiple submitters, no conflicts (2 of 4 stars). 2 submissions from 2 submitters: Uncertain significance (2). Last evaluated 2021-08-31.

Conditions:
Cortical dysplasia-focal epilepsy syndrome (PTHSL1). Also called: Pitt-Hopkins-like syndrome 1. Identifiers: Orphanet 163681, Orphanet 221150, MedGen C2750246, MONDO:0012400, OMIM 610042.

Allele frequency attached by ClinVar (database versions not stated): gnomAD 0.00001; TOPMed 0.00001.
gnomAD v4.1: 34 of 1,613,964 alleles (0.0021%); highest among the groups gnomAD compares: Non-Finnish European, 0.0026%; no homozygotes.

Submissions (2):

Labcorp Genetics (formerly Invitae), Labcorp
Classification: Uncertain significance for Cortical dysplasia-focal epilepsy syndrome. Last evaluated: 2021-08-31. Review status: criteria provided, single submitter. Criteria: Invitae Variant Classification Sherloc (09022015). Collection method: clinical testing. Allele origin: germline.
Comment: This sequence change replaces arginine with glutamine at codon 147 of the CNTNAP2 protein (p.Arg147Gln). The arginine residue is weakly conserved and there is a small physicochemical difference between arginine and glutamine. This variant is not present in population databases (ExAC no frequency). This variant has not been reported in the literature in individuals affected with CNTNAP2-related conditions. ClinVar contains an entry for this variant (Variation ID: 420911). Algorithms developed to predict the effect of missense changes on protein structure and function are either unavailable or do not agree on the potential impact of this missense change (SIFT: "Deleterious"; PolyPhen-2: "Benign"; Align-GVGD: "Class C0"). Algorithms developed to predict the effect of sequence changes on RNA splicing suggest that this variant may create or strengthen a splice site. In summary, the available evidence is currently insufficient to determine the role of this variant in disease. Therefore, it has been classified as a Variant of Uncertain Significance.

GeneDx
Classification: Uncertain significance. Last evaluated: 2019-11-13. Review status: criteria provided, single submitter. Criteria: GeneDx Variant Classification Process June 2021. Collection method: clinical testing. Allele origin: germline. Affected: yes.
Comment: In silico analysis, which includes protein predictors and evolutionary conservation, supports that this variant does not alter protein structure/function; Has not been previously published as pathogenic or benign to our knowledge